The following is an entry in ClinVar:

ClinVar aggregate classification (germline): Likely benign (0 of 4 stars; one submission).

Conditions:
IFT74-related disorder. Also called: IFT74-related condition; IFT74-Related Disorders.

Submission:

PreventionGenetics, part of Exact Sciences
Classification: Likely benign for IFT74-related condition. Last evaluated: 2020-05-07. Review status: no assertion criteria provided. Collection method: clinical testing. Allele origin: germline.
Comment: This variant is classified as likely benign based on ACMG/AMP sequence variant interpretation guidelines (Richards et al. 2015 PMID: 25741868, with internal and published modifications).

NM_025103.4(IFT74):c.987A>C (p.Thr329=)

Gene: IFT74 (intraflagellar transport 74; plus strand). Cytogenetic location: 9p21.2.
Variant type: single nucleotide variant.
Coding change: c.987A>C on transcript NM_025103.4 (MANE Select); coding-DNA position 987, A replaced by C.
Protein change: p.Thr329=; no amino-acid change (threonine 329 retained).
Molecular consequence: synonymous variant.
Genome position (GRCh38, 1-based): chr9:27,029,037, A>C. VCF-style: chr9-27029037-A-C. GRCh37 (hg19) VCF-style: chr9-27029035-A-C.
Other names: c.987A>C, p.Thr329= (NM_001099222.3, NM_001099223.3, NM_001099224.3 and 1 more transcripts).
Identifiers: ClinVar variation 3352157 (VCV003352157.1).